The following is an entry in ClinVar:

ClinVar aggregate classification (germline): Benign. Review status: criteria provided, multiple submitters, no conflicts (2 of 4 stars). 3 submissions from 3 submitters: Benign (3). Last evaluated 2026-08-01.

Allele frequency attached by ClinVar (database versions not stated): 1000 Genomes Project 30x 0.00265; 1000 Genomes Project 0.00300; ESP Exome Variant Server 0.00832; ExAC 0.00911; TOPMed 0.00941; gnomAD exomes 0.00984 and 0.01526; gnomAD 0.01198 and 0.01237.
gnomAD v4.1: 21,272 of 1,441,996 alleles (1.5%); highest among the groups gnomAD compares: Non-Finnish European, 1.7%; 208 homozygotes.

Submissions (3):

CeGaT Center for Human Genetics Tuebingen
Classification: Benign. Last evaluated: 2026-08-01. Review status: criteria provided, single submitter. Criteria: CeGaT Center For Human Genetics Tuebingen Variant Classification Criteria Version 2. Collection method: clinical testing. Allele origin: germline. Affected: yes. Observed: 2 variant alleles.
Comment: TOMM40: BS1, BS2

Labcorp Genetics (formerly Invitae), Labcorp
Classification: Benign. Last evaluated: 2018-06-26. Review status: criteria provided, single submitter. Criteria: Invitae Variant Classification Sherloc (09022015). Collection method: clinical testing. Allele origin: germline.

Breakthrough Genomics
Classification: Benign. Review status: criteria provided, single submitter. Criteria: ACMG Guidelines, 2015. Collection method: not provided. Allele origin: germline. Inheritance: Unknown mechanism. Affected: yes.

NM_001128917.2(TOMM40):c.147T>G (p.Ser49Arg)

Genes: TOMM40 (translocase of outer mitochondrial membrane 40; plus strand), LOC130064656 (ATAC-STARR-seq lymphoblastoid silent region 10744; plus strand). Cytogenetic location: 19q13.32.
Variant type: single nucleotide variant.
Coding change: c.147T>G on transcript NM_001128917.2 (MANE Select); coding-DNA position 147, T replaced by G.
Protein change: p.Ser49Arg; replaces serine 49 with arginine.
Molecular consequence: missense variant.
Genome position (GRCh38, 1-based): chr19:44,891,562, T>G. VCF-style: chr19-44891562-T-G. GRCh37 (hg19) VCF-style: chr19-45394819-T-G.
Other names: c.147T>G, p.Ser49Arg (NM_001128916.2, NM_006114.3); short protein forms S49R.
Identifiers: ClinVar variation 774355 (VCV000774355.8), dbSNP rs11556510, ClinGen allele CA9505559.
Genomic context (GRCh38, chr19:44,891,562, plus strand): 5'-GCCCTCGCCGCCGGGCTTCACGCTGCCGCCGCTGGGAGGCAGCCTGGGCGCCGGCACCAG[T>G]ACGAGTCGAAGTTCGGAACGGACCCCCGGGGCTGCAACCGCCAGCGCCTCAGGGGCCGCC-3'
Protein context (NP_001122389.1, residues 39-59): PLGGSLGAGT[Ser49Arg]TSRSSERTPG